The following is an entry in ClinVar:

ClinVar aggregate classification (germline): Uncertain significance (1 of 4 stars; one submission).

Submission:

Labcorp Genetics (formerly Invitae), Labcorp
Classification: Uncertain significance. Last evaluated: 2024-01-24. Review status: criteria provided, single submitter. Criteria: Invitae Variant Classification Sherloc (09022015). Collection method: clinical testing. Allele origin: unknown.
Comment: A gross deletion of the genomic region encompassing the full coding sequence of the MAGEL2 gene has been identified. The current clinical and genetic evidence is not sufficient to establish whether loss-of-function variants in MAGEL2 cause disease. The boundaries of this event are unknown as they extend beyond the assayed region for this gene and therefore may encompass additional genes. Isolated whole-gene deletions of MAGEL2 have not been reported in the literature. However, larger copy number events that include this gene have been reported (PMID: 34645491). In summary, the available evidence is currently insufficient to determine the role of this variant in disease. Therefore, it has been classified as a Variant of Uncertain Significance.

Literature cited by the submitters: PubMed 34645491.

NC_000015.9:g.(?_23889140)_(23932364_?)del

Genes: MAGEL2 (MAGE family member L2; minus strand), NDN (necdin, MAGE family member; minus strand). Cytogenetic location: 15q11.2.
Variant type: Deletion.
Identifiers: ClinVar variation 3243892 (VCV003243892.1).